The following is an entry in ClinVar:

ClinVar aggregate classification (germline): Uncertain significance (1 of 4 stars; one submission).

Conditions:
Ataxia-telangiectasia syndrome (AT). Also called: Ataxia-telangiectasia, complementation group D; AT, COMPLEMENTATION GROUP C; ATAXIA-TELANGIECTASIA, COMPLEMENTATION GROUP A; ATAXIA-TELANGIECTASIA, FRESNO VARIANT; Ataxia-telangiectasia; Ataxia telangiectasia (A-T). Identifiers: Orphanet 100, MedGen C0004135, MONDO:0008840, OMIM 208900.

Submission:

Labcorp Genetics (formerly Invitae), Labcorp
Classification: Uncertain significance for Ataxia-telangiectasia syndrome. Last evaluated: 2020-04-01. Review status: criteria provided, single submitter. Criteria: Invitae Variant Classification Sherloc (09022015). Collection method: clinical testing. Allele origin: germline.
Comment: In summary, the available evidence is currently insufficient to determine the role of this variant in disease. Therefore, it has been classified as a Variant of Uncertain Significance. Algorithms developed to predict the effect of missense changes on protein structure and function (SIFT, PolyPhen-2, Align-GVGD) all suggest that this variant is likely to be disruptive, but these predictions have not been confirmed by published functional studies and their clinical significance is uncertain. This variant has not been reported in the literature in individuals with ATM-related conditions. This variant is not present in population databases (ExAC no frequency). This sequence change replaces glycine with tryptophan at codon 2024 of the ATM protein (p.Gly2024Trp). The glycine residue is highly conserved and there is a large physicochemical difference between glycine and tryptophan.

NM_000051.4(ATM):c.6070G>T (p.Gly2024Trp)

Genes: ATM (ATM serine/threonine kinase; plus strand), C11orf65 (chromosome 11 open reading frame 65; minus strand). Cytogenetic location: 11q22.3.
Variant type: single nucleotide variant.
Coding change: c.6070G>T on transcript NM_000051.4 (MANE Select); coding-DNA position 6070, G replaced by T.
Protein change: p.Gly2024Trp; replaces glycine 2024 with tryptophan.
Molecular consequence: missense variant. On other transcripts: intron variant (2).
Genome position (GRCh38, 1-based): chr11:108,315,886, G>T. VCF-style: chr11-108315886-G-T. GRCh37 (hg19) VCF-style: chr11-108186613-G-T.
Other names: c.6070G>T, p.Gly2024Trp (NM_001351834.2); c.641-6815C>A (NM_001330368.2); c.*39-6815C>A (NM_001351110.2); short protein forms G2024W.
Identifiers: ClinVar variation 1002477 (VCV001002477.9), dbSNP rs1565499041, ClinGen allele CA382550090.